The following is an entry in ClinVar:

NM_001369.3(DNAH5):c.8564T>C (p.Phe2855Ser)

Gene: DNAH5 (dynein axonemal heavy chain 5; minus strand). Cytogenetic location: 5p15.2.
Variant type: single nucleotide variant.
Coding change: c.8564T>C on transcript NM_001369.3 (MANE Select); coding-DNA position 8564, T replaced by C.
Protein change: p.Phe2855Ser; replaces phenylalanine 2855 with serine.
Molecular consequence: missense variant.
Genome position (GRCh38, 1-based): chr5:13,788,799, A>G on the plus strand (T>C on the coding strand, the complement: DNAH5 is on the minus strand). VCF-style: chr5-13788799-A-G. GRCh37 (hg19) VCF-style: chr5-13788908-A-G.
Other names: short protein forms F2855S.
Identifiers: ClinVar variation 1498105 (VCV001498105.3), dbSNP rs1181279694, ClinGen allele CA359217521.

ClinVar aggregate classification (germline): Uncertain significance (1 of 4 stars; one submission).

Conditions:
Primary ciliary dyskinesia. Also called: Ciliary dyskinesia. Identifiers: Orphanet 244, MedGen C0008780, MONDO:0016575, HP:0012265.

Allele frequency attached by ClinVar (database versions not stated): gnomAD exomes below 0.00001; gnomAD 0.00001; TOPMed 0.00001.
gnomAD v4.1: 2 of 1,613,964 alleles (0.00012%); highest among the groups gnomAD compares: Non-Finnish European, 0.00017%; no homozygotes.

Submission:

Labcorp Genetics (formerly Invitae), Labcorp
Classification: Uncertain significance for Primary ciliary dyskinesia. Last evaluated: 2021-11-13. Review status: criteria provided, single submitter. Criteria: Invitae Variant Classification Sherloc (09022015). Collection method: clinical testing. Allele origin: germline.
Comment: This sequence change replaces phenylalanine, which is neutral and non-polar, with serine, which is neutral and polar, at codon 2855 of the DNAH5 protein (p.Phe2855Ser). This variant is not present in population databases (gnomAD no frequency). This missense change has been observed in individual(s) with primary ciliary dyskinesia (Invitae). Advanced modeling of protein sequence and biophysical properties (such as structural, functional, and spatial information, amino acid conservation, physicochemical variation, residue mobility, and thermodynamic stability) performed at Invitae indicates that this missense variant is not expected to disrupt DNAH5 protein function. In summary, the available evidence is currently insufficient to determine the role of this variant in disease. Therefore, it has been classified as a Variant of Uncertain Significance.